The following is an entry in ClinVar:

ClinVar aggregate classification (germline): Uncertain significance (1 of 4 stars; one submission).

gnomAD v4.1: 3 of 1,611,562 alleles (0.00019%); highest among the groups gnomAD compares: African/African-American, 0.004%; no homozygotes.

Submission:

Labcorp Genetics (formerly Invitae), Labcorp
Classification: Uncertain significance. Last evaluated: 2024-05-07. Review status: criteria provided, single submitter. Criteria: Invitae Variant Classification Sherloc (09022015). Collection method: clinical testing. Allele origin: germline.
Comment: This sequence change replaces isoleucine, which is neutral and non-polar, with methionine, which is neutral and non-polar, at codon 368 of the NUP133 protein (p.Ile368Met). This variant is present in population databases (rs759829960, gnomAD 0.02%). This variant has not been reported in the literature in individuals affected with NUP133-related conditions. An algorithm developed to predict the effect of missense changes on protein structure and function (PolyPhen-2) suggests that this variant is likely to be tolerated. In summary, the available evidence is currently insufficient to determine the role of this variant in disease. Therefore, it has been classified as a Variant of Uncertain Significance.

NM_018230.3(NUP133):c.1104C>G (p.Ile368Met)

Gene: NUP133 (nucleoporin 133; minus strand). Cytogenetic location: 1q42.13.
Variant type: single nucleotide variant.
Coding change: c.1104C>G on transcript NM_018230.3 (MANE Select); coding-DNA position 1104, C replaced by G.
Protein change: p.Ile368Met; replaces isoleucine 368 with methionine.
Molecular consequence: missense variant.
Genome position (GRCh38, 1-based): chr1:229,490,045, G>C on the plus strand (C>G on the coding strand, the complement: NUP133 is on the minus strand). VCF-style: chr1-229490045-G-C. GRCh37 (hg19) VCF-style: chr1-229625792-G-C.
Other names: short protein forms I368M.
Identifiers: ClinVar variation 3676455 (VCV003676455.2).